The following is an entry in ClinVar:

NM_001377.3(DYNC2H1):c.922C>T (p.Arg308Cys)

Gene: DYNC2H1 (dynein cytoplasmic 2 heavy chain 1; plus strand). Cytogenetic location: 11q22.3.
Variant type: single nucleotide variant.
Coding change: c.922C>T on transcript NM_001377.3 (MANE Select); coding-DNA position 922, C replaced by T.
Protein change: p.Arg308Cys; replaces arginine 308 with cysteine.
Molecular consequence: missense variant.
Genome position (GRCh38, 1-based): chr11:103,117,786, C>T. VCF-style: chr11-103117786-C-T. GRCh37 (hg19) VCF-style: chr11-102988515-C-T.
Other names: c.922C>T, p.Arg308Cys (NM_001080463.2); short protein forms R308C.
Identifiers: ClinVar variation 2055368 (VCV002055368.2), dbSNP rs750839267, ClinGen allele CA6252630.
Genomic context (GRCh38, chr11:103,117,786, plus strand): 5'-ATTTCAATTTGTGAACAGTGGGTGATAGTCTGTAATCATCTAACAGGTCAGGTGTGGCAG[C>T]GCTATGTTCCTCATCCATGGAAAAATGAAAAATATTTTCCAGAAACACTTGACAAACTTG-3'
Protein context (NP_001368.2, residues 298-318): CNHLTGQVWQ[Arg308Cys]YVPHPWKNEK

ClinVar aggregate classification (germline): Uncertain significance. Review status: criteria provided, multiple submitters, no conflicts (2 of 4 stars). 2 submissions from 2 submitters: Uncertain significance (2). Last evaluated 2024-08-29.

Conditions:
Jeune thoracic dystrophy. Also called: Jeune syndrome; Infantile thoracic dystrophy; Thoracic pelvic phalangeal dystrophy; Jeune's syndrome; Chondroectodermal dysplasia-like syndrome; Short-rib thoracic dysplasia. Identifiers: Orphanet 474, MedGen C0265275, MONDO:0018770.

Allele frequency attached by ClinVar (database versions not stated): gnomAD 0.00002; gnomAD exomes 0.00004; ExAC 0.00005.
gnomAD v4.1: 55 of 1,612,996 alleles (0.0034%); highest among the groups gnomAD compares: Middle Eastern, 0.016%; no homozygotes.

Submissions (2):

Blueprint Genetics
Classification: Uncertain significance. Last evaluated: 2024-08-29. Review status: criteria provided, single submitter. Criteria: ACMG Guidelines, 2015. Collection method: clinical testing. Allele origin: germline.

Labcorp Genetics (formerly Invitae), Labcorp
Classification: Uncertain significance for Jeune thoracic dystrophy. Last evaluated: 2021-12-28. Review status: criteria provided, single submitter. Criteria: Invitae Variant Classification Sherloc (09022015). Collection method: clinical testing. Allele origin: germline.
Comment: This sequence change replaces arginine, which is basic and polar, with cysteine, which is neutral and slightly polar, at codon 308 of the DYNC2H1 protein (p.Arg308Cys). This variant is present in population databases (rs750839267, gnomAD 0.01%). This variant has not been reported in the literature in individuals affected with DYNC2H1-related conditions. Advanced modeling of protein sequence and biophysical properties (such as structural, functional, and spatial information, amino acid conservation, physicochemical variation, residue mobility, and thermodynamic stability) performed at Invitae indicates that this missense variant is not expected to disrupt DYNC2H1 protein function. In summary, the available evidence is currently insufficient to determine the role of this variant in disease. Therefore, it has been classified as a Variant of Uncertain Significance.